The following is an entry in ClinVar:

ClinVar aggregate classification (germline): Uncertain significance. Review status: criteria provided, multiple submitters, no conflicts (2 of 4 stars). 2 submissions from 2 submitters: Uncertain significance (2). Last evaluated 2026-01-20.

Conditions:
Epidermolysis bullosa simplex 5B, with muscular dystrophy (EBS5B). Also called: Epidermolysis bullosa simplex with muscular dystrophy; EPIDERMOLYSIS BULLOSA SIMPLEX AND LIMB-GIRDLE MUSCULAR DYSTROPHY. Identifiers: Orphanet 257, MedGen C2931072, MONDO:0009181, OMIM 226670.
Epidermolysis bullosa simplex 5C, with pyloric atresia (EBS5C). Also called: PLEC1-Related Epidermolysis Bullosa with Pyloric Atresia; PLEC-Related Epidermolysis Bullosa with Pyloric Atresia; Epidermolysis bullosa simplex with pyloric atresia. Identifiers: Orphanet 158684, MedGen C2677349, MONDO:0012807, OMIM 612138.
Autosomal recessive limb-girdle muscular dystrophy type 2Q (LGMDR17). Also called: MUSCULAR DYSTROPHY, LIMB-GIRDLE, AUTOSOMAL RECESSIVE 17. Identifiers: Orphanet 254361, MedGen C3150989, MONDO:0013390, OMIM 613723.
Epidermolysis bullosa simplex, Ogna type (EBS5A). Also called: Pidermolysis bullosa simplex 5A, Ogna type; EPIDERMOLYSIS BULLOSA SIMPLEX 5A, OGNA TYPE. Identifiers: Orphanet 79401, MedGen C0432317, MONDO:0007555, OMIM 131950.
Epidermolysis bullosa simplex with nail dystrophy (EBS5D). Identifiers: MedGen C4225309, MONDO:0014661, OMIM 616487.
Inborn genetic diseases. Identifiers: MedGen C0950123, MeSH D030342.

Allele frequency attached by ClinVar (database versions not stated): ExAC 0.00001; gnomAD exomes 0.00002; gnomAD 0.00005 and 0.00006.
gnomAD v4.1: 114 of 1,588,566 alleles (0.0072%); highest among the groups gnomAD compares: Non-Finnish European, 0.0089%; no homozygotes.

Submissions (2):

Labcorp Genetics (formerly Invitae), Labcorp
Classification: Uncertain significance for Autosomal recessive limb-girdle muscular dystrophy type 2Q; Epidermolysis bullosa simplex, Ogna type; Epidermolysis bullosa simplex with nail dystrophy; Epidermolysis bullosa simplex 5C, with pyloric atresia; Epidermolysis bullosa simplex 5B, with muscular dystrophy. Last evaluated: 2026-01-20. Review status: criteria provided, single submitter. Criteria: Invitae Variant Classification Sherloc (09022015). Collection method: clinical testing. Allele origin: germline.
Comment: This sequence change replaces arginine, which is basic and polar, with histidine, which is basic and polar, at codon 2129 of the PLEC protein (p.Arg2129His). This variant is present in population databases (rs782126699, gnomAD 0.007%). This variant has not been reported in the literature in individuals affected with PLEC-related conditions. ClinVar contains an entry for this variant (Variation ID: 1397432). An algorithm developed to predict the effect of missense changes on protein structure and function outputs the following: PolyPhen-2: "Benign". The histidine amino acid residue is found in multiple mammalian species, which suggests that this missense change does not adversely affect protein function. In summary, the available evidence is currently insufficient to determine the role of this variant in disease. Therefore, it has been classified as a Variant of Uncertain Significance.

Ambry Genetics
Classification: Uncertain significance for Inborn genetic diseases. Last evaluated: 2025-01-19. Review status: criteria provided, single submitter. Criteria: Ambry Variant Classification Scheme 2023. Collection method: clinical testing. Allele origin: germline.

NM_201384.3(PLEC):c.6305G>A (p.Arg2102His)

Gene: PLEC (plectin; minus strand). Cytogenetic location: 8q24.3.
Variant type: single nucleotide variant.
Coding change: c.6305G>A on transcript NM_201384.3 (MANE Select); coding-DNA position 6305, G replaced by A.
Protein change: p.Arg2102His; replaces arginine 2102 with histidine.
Molecular consequence: missense variant.
Genome position (GRCh38, 1-based): chr8:143,923,624, C>T on the plus strand (G>A on the coding strand, the complement: PLEC is on the minus strand). VCF-style: chr8-143923624-C-T. GRCh37 (hg19) VCF-style: chr8-144997792-C-T.
Other names: c.6386G>A, p.Arg2129His (NM_000445.5); c.6263G>A, p.Arg2088His (NM_201378.4); c.6239G>A, p.Arg2080His (NM_201379.3); c.6716G>A, p.Arg2239His (NM_201380.4); c.6209G>A, p.Arg2070His (NM_201381.3); c.6305G>A, p.Arg2102His (NM_201382.4); c.6317G>A, p.Arg2106His (NM_201383.3); c.6386G>A (NM_000445.3); short protein forms R2080H, R2088H, R2106H, R2070H, R2102H, R2129H, R2239H.
Identifiers: ClinVar variation 1397432 (VCV001397432.9), dbSNP rs782126699, ClinGen allele CA4926047.
Genomic context (GRCh38, chr8:143,923,624, plus strand): 5'-TCTGCCGACTGCTTCAGCCGCTCGGCCTCTTCCACCTGCCGCCGGGACTGCGCCGCCTCA[C>T]GCTCCGCCTGCACCCGGGCCTCCTCCGCCTCCTCAGCCGCCCGCCGGGCCGCCTCCGCCT-3'
Protein context (NP_958786.1, residues 2092-2112): EAEEARVQAE[Arg2102His]EAAQSRRQVE